The following is an entry in ClinVar:

ClinVar aggregate classification (germline): Uncertain significance. Review status: criteria provided, single submitter (1 of 4 stars). 2 submissions from 2 submitters: Uncertain significance (1). 1 of the submissions does not count toward it. Last evaluated 2025-03-12.

Conditions:
Early-infantile DEE. Also called: Early infantile epileptic encephalopathy with suppression bursts; Early infantile epileptic encephalopathy; Ohtahara syndrome. Identifiers: Orphanet 1934, MedGen C0393706, MONDO:0800491.
Developmental and epileptic encephalopathy, 7 (DEE7). Also called: Early infantile epileptic encephalopathy 7; KCNQ2-Related Neonatal-Onset Developmental and Epileptic Encephalopathy (NEO-DEE); KCNQ2-Related Neonatal Epileptic Encephalopathy. Identifiers: Orphanet 439218, MedGen C3150986, MONDO:0013387, OMIM 613720.

Allele frequency attached by ClinVar (database versions not stated): gnomAD exomes below 0.00001; TOPMed below 0.00001; gnomAD 0.00001.
gnomAD v4.1: 5 of 1,613,416 alleles (0.00031%); highest among the groups gnomAD compares: Non-Finnish European, 0.00042%; no homozygotes.

Submissions (2):

Labcorp Genetics (formerly Invitae), Labcorp
Classification: Uncertain significance for Early-infantile DEE. Last evaluated: 2025-03-12. Review status: criteria provided, single submitter. Criteria: Invitae Variant Classification Sherloc (09022015). Collection method: clinical testing. Allele origin: germline.
Comment: This sequence change replaces glutamic acid, which is acidic and polar, with aspartic acid, which is acidic and polar, at codon 117 of the KCNQ2 protein (p.Glu117Asp). This variant is present in population databases (no rsID available, gnomAD 0.002%). This variant has not been reported in the literature in individuals affected with KCNQ2-related conditions. ClinVar contains an entry for this variant (Variation ID: 1433432). Invitae Evidence Modeling of protein sequence and biophysical properties (such as structural, functional, and spatial information, amino acid conservation, physicochemical variation, residue mobility, and thermodynamic stability) has been performed for this missense variant. However, the output from this modeling did not meet the statistical confidence thresholds required to predict the impact of this variant on KCNQ2 protein function. In summary, the available evidence is currently insufficient to determine the role of this variant in disease. Therefore, it has been classified as a Variant of Uncertain Significance.

Clinical Genetics Laboratory, University Hospital Schleswig-Holstein
Classification: Uncertain significance for Developmental and epileptic encephalopathy, 7. Last evaluated: 2024-02-20. Review status: no assertion criteria provided. Collection method: clinical testing. Allele origin: germline. Affected: yes. Not counted in ClinVar's aggregate classification.

NM_172107.4(KCNQ2):c.351G>T (p.Glu117Asp)

Gene: KCNQ2 (potassium voltage-gated channel subfamily Q member 2; minus strand). Cytogenetic location: 20q13.33.
Variant type: single nucleotide variant.
Coding change: c.351G>T on transcript NM_172107.4 (MANE Select); coding-DNA position 351, G replaced by T.
Protein change: p.Glu117Asp; replaces glutamic acid 117 with aspartic acid.
Molecular consequence: missense variant.
Genome position (GRCh38, 1-based): chr20:63,446,783, C>A on the plus strand (G>T on the coding strand, the complement: KCNQ2 is on the minus strand). VCF-style: chr20-63446783-C-A. GRCh37 (hg19) VCF-style: chr20-62078136-C-A.
Other names: c.351G>T, p.Glu117Asp (NM_001382235.1, NM_004518.6, NM_172106.3 and 2 more transcripts); short protein forms E117D.
Identifiers: ClinVar variation 1433432 (VCV001433432.10), dbSNP rs1215026765, ClinGen allele CA409656417.